The following is an entry in ClinVar:

ClinVar aggregate classification (germline): Uncertain significance (1 of 4 stars; one submission).

Allele frequency attached by ClinVar (database versions not stated): gnomAD exomes below 0.00001; TOPMed below 0.00001.
gnomAD v4.1: 2 of 1,551,664 alleles (0.00013%); highest among the groups gnomAD compares: Non-Finnish European, 0.00017%; no homozygotes.

Submission:

Labcorp Genetics (formerly Invitae), Labcorp
Classification: Uncertain significance. Last evaluated: 2022-08-09. Review status: criteria provided, single submitter. Criteria: Invitae Variant Classification Sherloc (09022015). Collection method: clinical testing. Allele origin: germline.
Comment: This sequence change replaces isoleucine, which is neutral and non-polar, with methionine, which is neutral and non-polar, at codon 1016 of the ZSWIM6 protein (p.Ile1016Met). In summary, the available evidence is currently insufficient to determine the role of this variant in disease. Therefore, it has been classified as a Variant of Uncertain Significance. Algorithms developed to predict the effect of missense changes on protein structure and function are either unavailable or do not agree on the potential impact of this missense change (SIFT: "Deleterious"; PolyPhen-2: "Probably Damaging"; Align-GVGD: "Class C0"). ClinVar contains an entry for this variant (Variation ID: 1512837). This variant has not been reported in the literature in individuals affected with ZSWIM6-related conditions. This variant is not present in population databases (gnomAD no frequency).

NM_020928.2(ZSWIM6):c.3048T>G (p.Ile1016Met)

Gene: ZSWIM6 (zinc finger SWIM-type containing 6; plus strand). Cytogenetic location: 5q12.1.
Variant type: single nucleotide variant.
Coding change: c.3048T>G on transcript NM_020928.2 (MANE Select); coding-DNA position 3048, T replaced by G.
Protein change: p.Ile1016Met; replaces isoleucine 1016 with methionine.
Molecular consequence: missense variant.
Genome position (GRCh38, 1-based): chr5:61,543,717, T>G. VCF-style: chr5-61543717-T-G. GRCh37 (hg19) VCF-style: chr5-60839544-T-G.
Other names: short protein forms I1016M.
Identifiers: ClinVar variation 1512837 (VCV001512837.8), dbSNP rs1749805688, ClinGen allele CA359946742.